The following is an entry in ClinVar:

ClinVar aggregate classification (germline): Conflicting classifications of pathogenicity. Review status: criteria provided, conflicting classifications (1 of 4 stars). 3 submissions from 3 submitters: Uncertain significance (1); Likely benign (2). Last evaluated 2024-12-18.

Conditions:
Hereditary cancer-predisposing syndrome. Also called: Hereditary neoplastic syndrome; Tumor predisposition; Neoplastic Syndromes, Hereditary; Hereditary Cancer Syndrome. Identifiers: Orphanet 140162, MedGen C0027672, MeSH D009386, MONDO:0015356.

Allele frequency attached by ClinVar (database versions not stated): gnomAD exomes below 0.00001 and 0.00001.
gnomAD v4.1: 1 of 1,564,454 alleles (0.000064%); highest among the groups gnomAD compares: Non-Finnish European, 0.000087%; no homozygotes.

Submissions (3):

Labcorp Genetics (formerly Invitae), Labcorp
Classification: Likely benign. Last evaluated: 2024-12-18. Review status: criteria provided, single submitter. Criteria: Invitae Variant Classification Sherloc (09022015). Collection method: clinical testing. Allele origin: germline.

GeneDx
Classification: Uncertain significance. Last evaluated: 2024-10-21. Review status: criteria provided, single submitter. Criteria: GeneDx Variant Classification Process June 2021. Collection method: clinical testing. Allele origin: germline. Affected: yes.
Comment: Not observed at significant frequency in large population cohorts (gnomAD); In silico analysis supports that this variant does not alter splicing; Has not been previously published as pathogenic or benign to our knowledge

Ambry Genetics
Classification: Likely benign for Hereditary cancer-predisposing syndrome. Last evaluated: 2023-07-09. Review status: criteria provided, single submitter. Criteria: Ambry Variant Classification Scheme 2023. Collection method: clinical testing. Allele origin: germline.

NM_001903.5(CTNNA1):c.1746A>G (p.Thr582=)

Gene: CTNNA1 (catenin alpha 1; plus strand). Cytogenetic location: 5q31.2.
Variant type: single nucleotide variant.
Coding change: c.1746A>G on transcript NM_001903.5 (MANE Select); coding-DNA position 1746, A replaced by G.
Protein change: p.Thr582=; no amino-acid change (threonine 582 retained).
Molecular consequence: synonymous variant.
Genome position (GRCh38, 1-based): chr5:138,924,709, A>G. VCF-style: chr5-138924709-A-G. GRCh37 (hg19) VCF-style: chr5-138260398-A-G.
Other names: c.1746A>G (NM_001903.3, NM_001903.2); c.1746A>G, p.Thr582= (NM_001290307.3, NM_001323982.2, NM_001323983.1 and 2 more transcripts); c.1437A>G, p.Thr479= (NM_001290309.3); c.1377A>G, p.Thr459= (NM_001290310.3); c.636A>G, p.Thr212= (NM_001290312.1, NM_001323987.1, NM_001323988.1 and 17 more transcripts); c.1653A>G, p.Thr551= (NM_001323986.2); c.297A>G, p.Thr99= (NM_001324006.1, NM_001324007.1, NM_001324008.1 and 2 more transcripts); c.543A>G, p.Thr181= (NM_001324011.1); and 1 more.
Identifiers: ClinVar variation 1349909 (VCV001349909.11), dbSNP rs1181337385, ClinGen allele CA446597160.
Genomic context (GRCh38, chr5:138,924,709, plus strand): 5'-CTATGAGCCAGGAGTCTACACAGAGAAGGTTCTGGAAGCCACTAAGCTGCTCTCCAACAC[A>G]GGTACGGGAACTCTCCCTTTCCAGTGCTCGCACACACCGCAGCCTCAGTGAGGCAGGCCA-3'
Protein context (NP_001894.2, residues 572-592): VLEATKLLSN[Thr582=]VMPRFTEQVE